The following continues an entry in ClinVar:

NM_000051.4(ATM):c.170G>A (p.Trp57Ter)

Gene: ATM. ClinVar aggregate classification (germline): Pathogenic. Pathogenic (19).

Submissions 12 to 20 of 20:

Baylor Genetics
Classification: Pathogenic for Familial cancer of breast. Last evaluated: 2024-02-29. Review status: criteria provided, single submitter. Criteria: ACMG Guidelines, 2015. Collection method: clinical testing. Allele origin: unknown.

GeneDx
Classification: Pathogenic. Last evaluated: 2024-02-16. Review status: criteria provided, single submitter. Criteria: GeneDx Variant Classification Process June 2021. Collection method: clinical testing. Allele origin: germline. Affected: yes.
Comment: Nonsense variant predicted to result in protein truncation or nonsense mediated decay in a gene for which loss of function is a known mechanism of disease; Observed in the heterozygous state in individuals with a personal and/or family history of breast, pancreatic, or colorectal cancer (PMID: 19781682, 21787400, 22585167, 27083775, 27276934, 27978560, 30716324); Not observed at significant frequency in large population cohorts (gnomAD); Truncating variants in this gene are considered pathogenic by a well-established clinical consortium and/or database; This variant is associated with the following publications: (PMID: 28152038, 25525159, 30549301, 29922827, 28888541, 24512911, 10817650, 19781682, 21787400, 20346647, 26681312, 27276934, 27153395, 27083775, 22585167, 27978560, 28767289, 30716324, 31447099, 32853339, 19147735, 30113427, 37742832, 31921190)

Myriad Genetics, Inc.
Classification: Pathogenic for Familial cancer of breast. Last evaluated: 2024-01-09. Review status: criteria provided, single submitter. Criteria: Myriad Autosomal Dominant, Autosomal Recessive and X-Linked Classification Criteria (2023). Collection method: clinical testing. Allele origin: unknown.
Comment: This variant is considered pathogenic. This variant creates a termination codon and is predicted to result in premature protein truncation.

Revvity Omics, Revvity
Classification: Pathogenic for Ataxia-telangiectasia syndrome. Last evaluated: 2022-06-29. Review status: criteria provided, single submitter. Criteria: ACMG Guidelines, 2015. Collection method: clinical testing. Allele origin: germline.

ARUP Laboratories, Molecular Genetics and Genomics, ARUP Laboratories
Classification: Pathogenic. Last evaluated: 2022-04-15. Review status: criteria provided, single submitter. Criteria: ARUP Molecular Germline Variant Investigation Process 2021. Collection method: clinical testing. Allele origin: germline.
Comment: The ATM c.170G>A; p.Trp57Ter variant (rs587779818) is frequently identified in the literature in individuals affected with ataxia-telangiectasia syndrome and various hereditary cancers (Selected references: Li 2000, Goldgar 2011, Susswein 2016, Schon 2019, Skaro 2019, and ClinVar Variation ID: 127341). This variant is also absent from the Genome Aggregation Database, indicating it is not a common polymorphism. This variant induces an early termination codon and is predicted to result in a truncated protein or mRNA subject to nonsense-mediated decay. Based on available information, this variant is considered to be pathogenic. REFERENCES: Goldgar et al. Rare variants in the ATM gene and risk of breast cancer. Breast Cancer Res. 2011 Jul 25;13(4):R73. PMID: 21787400. Li A et al. Mutations at the ataxia-telangiectasia locus and clinical phenotypes of A-T patients. Am J Med Genet. 2000 May 29;92(3):170-7. PMID: 10817650. Schon K et al. Genotype, extrapyramidal features, and severity of variant ataxia-telangiectasia. Ann Neurol. 2019 Feb;85(2):170-180. PMID: 30549301. Skaro et al. Prevalence of Germline Mutations Associated With Cancer Risk in Patients With Intraductal Papillary Mucinous Neoplasms. Gastroenterology. 2019 May;156(6):1905-1913. PMID: 30716324. Susswein et al. Pathogenic and likely pathogenic variant prevalence among the first 10,000 patients referred for next-generation cancer panel testing. Genet Med. 2016 Aug;18(8):823-32. PMID: 26681312.

Women's Health and Genetics/Laboratory Corporation of America, LabCorp
Classification: Pathogenic for Ataxia-telangiectasia syndrome. Last evaluated: 2020-01-13. Review status: criteria provided, single submitter. Criteria: LabCorp Variant Classification Summary - May 2015. Collection method: clinical testing. Allele origin: germline.
Comment: Variant summary: ATM c.170G>A (p.Trp57X) results in a premature termination codon, predicted to cause a truncation of the encoded protein or absence of the protein due to nonsense mediated decay, which are commonly known mechanisms for disease. The variant was absent in 250818 control chromosomes (gnomAD). c.170G>A has been reported in the literature in multiple compound heterozygous individuals, who were affected with the classic- or variant form of Ataxia-Telangiectasia (Li_2000, Nahas_2009, Schon_2019). The variant was also found in heterozygous individuals affected with various tumor phenotypes, e.g. pancreatic cancer (Roberts_2012, Shindo_2017), where the variant was reported to segregate with the disease in one family (Roberts_2012). These data indicate that the variant is likely to be associated with disease. Seven clinical diagnostic laboratories have submitted clinical-significance assessments for this variant to ClinVar after 2014 without evidence for independent evaluation. All laboratories classified the variant as pathogenic. Based on the evidence outlined above, the variant was classified as pathogenic.

Division of Medical Genetics, University of Washington
Classification: Pathogenic for Familial cancer of breast. Last evaluated: 2019-11-22. Review status: criteria provided, single submitter. Criteria: ACMG Guidelines, 2015. Collection method: clinical testing. Allele origin: germline. Affected: no. Study: CSER_CHARM.
Comment: This variant has not been reported in the gnomAD database. This variant has been reported a number of times in ClinVar. Multiple studies have detected this variant in individuals with breast cancer, colon cancer, and colon polyps (PMID: 21787400, 27083775, 26681312, 24512911). This variant has also been reported in the medical literature in at least two patients with the autosomal recessive condition ataxia telangiectasia. These two individuals had a second pathogenic variant in the ATM gene (PMID: 10817650). Based on this evidence, we consider this variant to be a pathogenic variant. PM2; PM3

Human Genome Sequencing Center Clinical Lab, Baylor College of Medicine
Classification: Pathogenic for Susceptibility to breast cancer; Ataxia-telangiectasia. Last evaluated: 2018-10-12. Review status: criteria provided, single submitter. Criteria: ACMG Guidelines, 2015. Collection method: clinical testing. Allele origin: germline.
Comment: The c.170G>A (p.Trp57*) variant in the ATM gene is predicted to introduce a premature translation termination codon. This variant has been reported in multiple unrelated families affected with breast cancer, prostate cancer or pancreatic cancer (PMID 21787400, 22585167, 27083775, 27276934). This variant was also reported in homozygous state in two families affected with ataxia-telangiectasia (PMID 10817650). This variant has never been reported in general population databases. Mono-allelic variants in the ATM gene have been associated with susceptibility to breast cancer (OMIM 114480) whereas bi-allelic variants in this gene are associated with Ataxia-telangiectasia (OMIM 208900). Therefore, this c.170G>A (p.Trp57*) variant in the ATM gene is classified as pathogenic.

Counsyl
Classification: Pathogenic for Ataxia-telangiectasia syndrome. Last evaluated: 2016-11-01. Review status: no assertion criteria provided. Collection method: clinical testing. Allele origin: unknown. Not counted in ClinVar's aggregate classification.

Literature cited by the submitters: PubMed 23807571 (cited by Labcorp Genetics (formerly Invitae), Labcorp); PubMed 25614872 (cited by Labcorp Genetics (formerly Invitae), Labcorp); PubMed 10817650 (cited by 7 submitters); PubMed 21787400 (cited by 5 submitters); PubMed 22585167 (cited by 6 submitters); PubMed 24512911 (cited by 3 submitters); PubMed 26681312 (cited by 4 submitters); PubMed 27083775 (cited by 5 submitters); PubMed 19147735 (cited by Rady Children's Institute for Genomic Medicine, Rady Children's Hospital San Diego and Women's Health and Genetics/Laboratory Corporation of America, LabCorp); PubMed 30549301 (cited by 3 submitters); PubMed 31921190 (cited by Natera, Inc. and Quest Diagnostics Nichols Institute San Juan Capistrano); PubMed 25525159 (cited by Ambry Genetics); PubMed 27153395 (cited by Ambry Genetics and Quest Diagnostics Nichols Institute San Juan Capistrano); PubMed 27276934 (cited by Ambry Genetics and Quest Diagnostics Nichols Institute San Juan Capistrano); PubMed 27978560 (cited by Ambry Genetics and Quest Diagnostics Nichols Institute San Juan Capistrano); PubMed 28767289 (cited by 3 submitters); PubMed 30716324 (cited by Ambry Genetics and Quest Diagnostics Nichols Institute San Juan Capistrano).